The following is an entry in ClinVar:

ClinVar aggregate classification (germline): Likely pathogenic (1 of 4 stars; one submission).

Conditions:
Primary hyperoxaluria, type II (HP2). Also called: OXALOSIS II; Primary hyperoxaluria type 2; D-GLYCERATE DEHYDROGENASE DEFICIENCY; GLYCERIC ACIDURIA; GLYOXYLATE REDUCTASE/HYDROXYPYRUVATE REDUCTASE DEFICIENCY. Identifiers: Orphanet 416, Orphanet 93599, MedGen C0268165, MONDO:0009824, OMIM 260000. Disease mechanism: loss of function.

Submission:

Clinical Biochemistry Laboratory, Health Services Laboratory
Classification: Likely pathogenic for Primary hyperoxaluria, type II. Last evaluated: 2023-10-27. Review status: criteria provided, single submitter. Criteria: ACMG Guidelines, 2015. Collection method: curation. Allele origin: germline. Affected: yes.
Comment: ACMG:PVS1 PM2 PP3

Literature cited by the submitters: PubMed 36185032.

NM_012203.2(GRHPR):c.932dup (p.Asn311fs)

Gene: GRHPR (glyoxylate and hydroxypyruvate reductase; plus strand). Cytogenetic location: 9p13.2.
Variant type: Duplication.
Coding change: c.932dup on transcript NM_012203.2 (MANE Select); coding-DNA position 932, one base duplicated (A; older notation c.932dupA).
Protein change: p.Asn311fs; shifts the reading frame from asparagine 311.
Molecular consequence: frameshift variant.
Genome position (GRCh38, 1-based): chr9:37,436,727, A duplicated; the last of 2 consecutive A bases (chr9:37,436,726-37,436,727); duplicating either gives the same sequence. VCF-style (leftmost placement, unchanged base first): chr9-37436725-T-TA. GRCh37 (hg19) VCF-style: chr9-37436722-T-TA.
Other names: c.932dupA (NM_012203.2); short protein forms N311fs.
Identifiers: ClinVar variation 2664423 (VCV002664423.1), dbSNP rs2489258749, ClinGen allele CA2695201586.